The following is an entry in ClinVar:

ClinVar aggregate classification (germline): Uncertain significance (1 of 4 stars; one submission).

Conditions:
Infantile-onset ascending hereditary spastic paralysis (IAHSP). Also called: Infantile-Onset Ascending Hereditary Spastic Paralysis (IAHSP); Autosomal Recessive Juvenile Amyotrophic Lateral Sclerosis. Identifiers: Orphanet 293168, MedGen C2931441, MONDO:0011797, OMIM 607225. Disease mechanism: loss of function.

Submission:

Labcorp Genetics (formerly Invitae), Labcorp
Classification: Uncertain significance for Infantile-onset ascending hereditary spastic paralysis. Last evaluated: 2022-09-26. Review status: criteria provided, single submitter. Criteria: Invitae Variant Classification Sherloc (09022015). Collection method: clinical testing. Allele origin: germline.
Comment: This sequence change replaces proline, which is neutral and non-polar, with histidine, which is basic and polar, at codon 1016 of the ALS2 protein (p.Pro1016His). This variant is not present in population databases (gnomAD no frequency). This variant has not been reported in the literature in individuals affected with ALS2-related conditions. Algorithms developed to predict the effect of missense changes on protein structure and function (SIFT, PolyPhen-2, Align-GVGD) all suggest that this variant is likely to be tolerated. In summary, the available evidence is currently insufficient to determine the role of this variant in disease. Therefore, it has been classified as a Variant of Uncertain Significance.

NM_020919.4(ALS2):c.3047C>A (p.Pro1016His)

Gene: ALS2 (alsin Rho guanine nucleotide exchange factor ALS2; minus strand). Cytogenetic location: 2q33.1.
Variant type: single nucleotide variant.
Coding change: c.3047C>A on transcript NM_020919.4 (MANE Select); coding-DNA position 3047, C replaced by A.
Protein change: p.Pro1016His; replaces proline 1016 with histidine.
Molecular consequence: missense variant.
Genome position (GRCh38, 1-based): chr2:201,726,799, G>T on the plus strand (C>A on the coding strand, the complement: ALS2 is on the minus strand). VCF-style: chr2-201726799-G-T. GRCh37 (hg19) VCF-style: chr2-202591522-G-T.
Other names: c.3047C>A, p.Pro1016His (NM_001410975.1); short protein forms P1016H.
Identifiers: ClinVar variation 1945174 (VCV001945174.5), dbSNP rs776807292, ClinGen allele CA350321322.